The following is an entry in ClinVar:

NM_001290043.2(TAP2):c.1786A>G (p.Ile596Val)

Gene: TAP2 (transporter 2, ATP binding cassette subfamily B member; minus strand). Cytogenetic location: 6p21.32.
Variant type: single nucleotide variant.
Coding change: c.1786A>G on transcript NM_001290043.2 (MANE Select); coding-DNA position 1786, A replaced by G.
Protein change: p.Ile596Val; replaces isoleucine 596 with valine.
Molecular consequence: missense variant.
Genome position (GRCh38, 1-based): chr6:32,829,939, T>C on the plus strand (A>G on the coding strand, the complement: TAP2 is on the minus strand). VCF-style: chr6-32829939-T-C. GRCh37 (hg19) VCF-style: chr6-32797716-T-C.
Other names: c.1786A>G, p.Ile596Val (NM_000544.3, NM_018833.3); short protein forms I596V.
Identifiers: ClinVar variation 1994700 (VCV001994700.4), dbSNP rs979087944, ClinGen allele CA136998218.

ClinVar aggregate classification (germline): Uncertain significance (1 of 4 stars; one submission).

Conditions:
MHC class I deficiency. Identifiers: Orphanet 34592, MedGen C6024714, MONDO:0011476.

Allele frequency attached by ClinVar (database versions not stated): gnomAD exomes below 0.00001.
gnomAD v4.1: 1 of 1,613,108 alleles (0.000062%); highest among the groups gnomAD compares: Non-Finnish European, 0.000085%; no homozygotes.

Submission:

Labcorp Genetics (formerly Invitae), Labcorp
Classification: Uncertain significance for MHC class I deficiency 1. Last evaluated: 2022-05-15. Review status: criteria provided, single submitter. Criteria: Invitae Variant Classification Sherloc (09022015). Collection method: clinical testing. Allele origin: germline.
Comment: In summary, the available evidence is currently insufficient to determine the role of this variant in disease. Therefore, it has been classified as a Variant of Uncertain Significance. Algorithms developed to predict the effect of missense changes on protein structure and function are either unavailable or do not agree on the potential impact of this missense change (SIFT: "Tolerated"; PolyPhen-2: "Not Available"; Align-GVGD: "Class C0"). This variant has not been reported in the literature in individuals affected with TAP2-related conditions. This variant is not present in population databases (gnomAD no frequency). This sequence change replaces isoleucine, which is neutral and non-polar, with valine, which is neutral and non-polar, at codon 596 of the TAP2 protein (p.Ile596Val).